The following is an entry in ClinVar:

ClinVar aggregate classification (germline): Likely benign. Review status: criteria provided, multiple submitters, no conflicts (2 of 4 stars). 3 submissions from 3 submitters: Likely benign (2). 1 of the submissions does not count toward it. Last evaluated 2025-03-05.

Conditions:
KMT2D-related disorder. Also called: KMT2D-Related Disorders.
Kabuki syndrome. Also called: Kabuki make-up syndrome; NIIKAWA-KUROKI SYNDROME. Identifiers: Orphanet 2322, MedGen C0796004, MONDO:0016512.

Allele frequency attached by ClinVar (database versions not stated): gnomAD exomes 0.00002 and 0.00004; gnomAD 0.00005 and 0.00006; ExAC 0.00006; TOPMed 0.00006; ESP Exome Variant Server 0.00016.
gnomAD v4.1: 51 of 1,613,980 alleles (0.0032%); highest among the groups gnomAD compares: Middle Eastern, 0.066%; no homozygotes.

Submissions (3):

Labcorp Genetics (formerly Invitae), Labcorp
Classification: Likely benign for Kabuki syndrome. Last evaluated: 2025-03-05. Review status: criteria provided, single submitter. Criteria: Invitae Variant Classification Sherloc (09022015). Collection method: clinical testing. Allele origin: germline.

GeneDx
Classification: Likely benign. Last evaluated: 2020-11-27. Review status: criteria provided, single submitter. Criteria: GeneDx Variant Classification Process June 2021. Collection method: clinical testing. Allele origin: germline. Affected: yes.

PreventionGenetics, part of Exact Sciences
Classification: Likely benign for KMT2D-related condition. Last evaluated: 2023-12-26. Review status: no assertion criteria provided. Collection method: clinical testing. Allele origin: germline. Not counted in ClinVar's aggregate classification.
Comment: This variant is classified as likely benign based on ACMG/AMP sequence variant interpretation guidelines (Richards et al. 2015 PMID: 25741868, with internal and published modifications).

NM_003482.4(KMT2D):c.4694-4A>G

Gene: KMT2D (lysine methyltransferase 2D; minus strand). Cytogenetic location: 12q13.12.
Variant type: single nucleotide variant.
Coding change: c.4694-4A>G on transcript NM_003482.4 (MANE Select); 4 bases into the intron before coding-DNA position 4694, A replaced by G.
Molecular consequence: intron variant.
Genome position (GRCh38, 1-based): chr12:49,045,971, T>C on the plus strand (A>G on the coding strand, the complement: KMT2D is on the minus strand). VCF-style: chr12-49045971-T-C. GRCh37 (hg19) VCF-style: chr12-49439754-T-C.
Other names: c.4694-4A>G (NM_003482.3).
Identifiers: ClinVar variation 1254000 (VCV001254000.12), dbSNP rs372092587, ClinGen allele CA6547748.
Genomic context (GRCh38, chr12:49,045,971, plus strand): 5'-GTGACTCACCTGGCTCTTTCACCTTCATGGGCACCAGCTCTGGAGGTGCAACAGGCGCTA[T>C]GGAGAGAAGGACAAACGGAGGTGGCTGAGGTCCTGTCCCAAAGCAAGGTACCCCTGCTCT-3'